The following is an entry in ClinVar:

ClinVar aggregate classification (germline): Uncertain significance (0 of 4 stars; one submission).

Conditions:
CREBBP-related disorder. Also called: CREBBP-related condition; CREBBP-related disorders.

Submission:

PreventionGenetics, part of Exact Sciences
Classification: Uncertain significance for CREBBP-related condition. Last evaluated: 2024-06-12. Review status: no assertion criteria provided. Collection method: clinical testing. Allele origin: germline.
Comment: The CREBBP c.6320A>C variant is predicted to result in the amino acid substitution p.Lys2107Thr. To our knowledge, this variant has not been reported in the literature or in a large population database, indicating this variant is rare. At this time, the clinical significance of this variant is uncertain due to the absence of conclusive functional and genetic evidence.

NM_004380.3(CREBBP):c.6320A>C (p.Lys2107Thr)

Gene: CREBBP (CREB binding lysine acetyltransferase; minus strand). Cytogenetic location: 16p13.3.
Variant type: single nucleotide variant.
Coding change: c.6320A>C on transcript NM_004380.3 (MANE Select); coding-DNA position 6320, A replaced by C.
Protein change: p.Lys2107Thr; replaces lysine 2107 with threonine.
Molecular consequence: missense variant.
Genome position (GRCh38, 1-based): chr16:3,728,727, T>G on the plus strand (A>C on the coding strand, the complement: CREBBP is on the minus strand). VCF-style: chr16-3728727-T-G. GRCh37 (hg19) VCF-style: chr16-3778728-T-G.
Other names: c.6206A>C, p.Lys2069Thr (NM_001079846.1); short protein forms K2069T, K2107T.
Identifiers: ClinVar variation 3346197 (VCV003346197.1).
Genomic context (GRCh38, chr16:3,728,727, plus strand): 5'-ATGCCGGGCTGGGACTGGAGGCCAGGCTGGGGCTGCATGCCGGGCTGATTGGCCACGTAC[T>G]TGGCTGTGCGCTGTTTGATGAAAGCTGCCATTAGCTGCGGGTTTGATTTGAGAATGTTCA-3'
Protein context (NP_004371.2, residues 2097-2117): MAAFIKQRTA[Lys2107Thr]YVANQPGMQP